The following is an entry in ClinVar:

ClinVar aggregate classification (germline): Uncertain significance (1 of 4 stars; one submission).

Conditions:
Loeys-Dietz syndrome 2 (LDS2). Also called: TGFBR2-Related Loeys-Dietz Syndrome; AORTIC ANEURYSM, FAMILIAL THORACIC 3; MARFAN SYNDROME, TYPE II; Marfan syndrome, type 2 (formerly); Marfan Syndrome type 2; Marfan like connective tissue disorder. Identifiers: Orphanet 284973, Orphanet 558, MedGen C2674574, MONDO:0012427, OMIM 610168.

Submission:

All of Us Research Program, National Institutes of Health
Classification: Uncertain significance for Loeys-Dietz syndrome 2. Last evaluated: 2023-05-30. Review status: criteria provided, single submitter. Criteria: ACMG Guidelines, 2015. Collection method: clinical testing. Allele origin: germline. Inheritance: Autosomal dominant inheritance. Observed: 1 variant allele, 1 heterozygote.
Comment: This missense variant replaces aspartic acid with valine at codon 115 of the TGFBR2 protein. Computational prediction suggests that this variant may have deleterious impact on protein structure and function (internally defined REVEL score threshold >= 0.7, PMID: 27666373). To our knowledge, functional studies have not been reported for this variant. This variant has not been reported in individuals affected with TGFBR2-related disorders in the literature. This variant has not been identified in the general population by the Genome Aggregation Database (gnomAD). The available evidence is insufficient to determine the role of this variant in disease conclusively. Therefore, this variant is classified as a Variant of Uncertain Significance.

This study involves interpretation of variants in research participants for the purpose of population health screening. Participant phenotype was not available at the time of variant classification. Additional details can be found in publication PMID: 35346344, PMCID: PMC8962531

NM_003242.6(TGFBR2):c.344A>T (p.Asp115Val)

Gene: TGFBR2 (transforming growth factor beta receptor 2; plus strand). Cytogenetic location: 3p24.1.
Variant type: single nucleotide variant.
Coding change: c.344A>T on transcript NM_003242.6 (MANE Select); coding-DNA position 344, A replaced by T.
Protein change: p.Asp115Val; replaces aspartic acid 115 with valine.
Molecular consequence: missense variant. On other transcripts: intron variant (2).
Genome position (GRCh38, 1-based): chr3:30,650,350, A>T. VCF-style: chr3-30650350-A-T. GRCh37 (hg19) VCF-style: chr3-30691842-A-T.
Other names: c.419A>T, p.Asp140Val (NM_001024847.3, NM_001407126.1, NM_001407139.1); c.344A>T, p.Asp115Val (NM_001407127.1, NM_001407130.1); c.371A>T, p.Asp124Val (NM_001407128.1); c.239A>T, p.Asp80Val (NM_001407129.1, NM_001407132.1, NM_001407133.1 and 3 more transcripts); c.170-21288A>T (NM_001407137.1); c.95-21288A>T (NM_001407138.1); short protein forms D115V, D124V, D140V, D80V.
Identifiers: ClinVar variation 3071319 (VCV003071319.1), dbSNP rs1575146525, ClinGen allele CA351806878.
Genomic context (GRCh38, chr3:30,650,350, plus strand): 5'-TAACACTAGAGACAGTTTGCCATGACCCCAAGCTCCCCTACCATGACTTTATTCTGGAAG[A>T]TGCTGCTTCTCCAAAGTGCATTATGAAGGAAAAAAAAAAGCCTGGTGAGACTTTCTTCAT-3'
Protein context (NP_003233.4, residues 105-125): KLPYHDFILE[Asp115Val]AASPKCIMKE